The following is an entry in ClinVar:

NM_138927.4(SON):c.53G>T (p.Arg18Leu)

Gene: SON (SON DNA and RNA binding protein; plus strand). Cytogenetic location: 21q22.11.
Variant type: single nucleotide variant.
Coding change: c.53G>T on transcript NM_138927.4 (MANE Select); coding-DNA position 53, G replaced by T.
Protein change: p.Arg18Leu; replaces arginine 18 with leucine.
Molecular consequence: missense variant. On other transcripts: non-coding transcript variant (1).
Genome position (GRCh38, 1-based): chr21:33,543,145, G>T. VCF-style: chr21-33543145-G-T. GRCh37 (hg19) VCF-style: chr21-34915451-G-T.
Other names: c.53G>T, p.Arg18Leu (NM_001291411.2, NM_001291412.3, NM_001412132.1 and 4 more transcripts); short protein forms R18L.
Identifiers: ClinVar variation 2898537 (VCV002898537.3), dbSNP rs967177354, ClinGen allele CA320146188.
Genomic context (GRCh38, chr21:33,543,145, plus strand): 5'-CGGACGCCATGGCGACCAACATCGAGCAGATTTTTAGGTCTTTCGTGGTCAGTAAATTCC[G>T]GGAAATTCAACAGGAGCTTTCCAGGTAAACGCCTCCCAGATTCTTCTGCTCCCAACGGAC-3'
Protein context (NP_620305.3, residues 8-28): IFRSFVVSKF[Arg18Leu]EIQQELSSGR

ClinVar aggregate classification (germline): Uncertain significance (1 of 4 stars; one submission).

gnomAD v4.1: 2 of 1,614,184 alleles (0.00012%); highest among the groups gnomAD compares: Non-Finnish European, 0.00017%; no homozygotes.

Submission:

Labcorp Genetics (formerly Invitae), Labcorp
Classification: Uncertain significance. Last evaluated: 2023-10-05. Review status: criteria provided, single submitter. Criteria: Invitae Variant Classification Sherloc (09022015). Collection method: clinical testing. Allele origin: germline.
Comment: This sequence change replaces arginine, which is basic and polar, with leucine, which is neutral and non-polar, at codon 18 of the SON protein (p.Arg18Leu). This variant is not present in population databases (gnomAD no frequency). This variant has not been reported in the literature in individuals affected with SON-related conditions. An algorithm developed to predict the effect of missense changes on protein structure and function (PolyPhen-2) suggests that this variant is likely to be disruptive. In summary, the available evidence is currently insufficient to determine the role of this variant in disease. Therefore, it has been classified as a Variant of Uncertain Significance.